The following is an entry in ClinVar:

ClinVar aggregate classification (germline): Uncertain significance (1 of 4 stars; one submission).

gnomAD v4.1: 1 of 1,613,976 alleles (0.000062%); highest among the groups gnomAD compares: Non-Finnish European, 0.000085%; no homozygotes.

Submission:

GeneDx
Classification: Uncertain significance. Last evaluated: 2025-02-21. Review status: criteria provided, single submitter. Criteria: GeneDx Variant Classification Process June 2021. Collection method: clinical testing. Allele origin: germline. Affected: yes.
Comment: Not observed at significant frequency in large population cohorts (gnomAD); In silico analysis supports that this missense variant has a deleterious effect on protein structure/function; Has not been previously published as pathogenic or benign to our knowledge

NM_000069.3(CACNA1S):c.3896A>C (p.Gln1299Pro)

Gene: CACNA1S (calcium voltage-gated channel subunit alpha1 S; minus strand). Cytogenetic location: 1q32.1.
Variant type: single nucleotide variant.
Coding change: c.3896A>C on transcript NM_000069.3 (MANE Select); coding-DNA position 3896, A replaced by C.
Protein change: p.Gln1299Pro; replaces glutamine 1299 with proline.
Molecular consequence: missense variant.
Genome position (GRCh38, 1-based): chr1:201,052,614, T>G on the plus strand (A>C on the coding strand, the complement: CACNA1S is on the minus strand). VCF-style: chr1-201052614-T-G. GRCh37 (hg19) VCF-style: chr1-201021742-T-G.
Other names: short protein forms Q1299P.
Identifiers: ClinVar variation 4076850 (VCV004076850.1).